The following is an entry in ClinVar:

ClinVar aggregate classification (germline): Uncertain significance (1 of 4 stars; one submission).

Conditions:
Primary dilated cardiomyopathy (DCM). Also called: Dilated Cardiomyopathy. Identifiers: Orphanet 217604, MedGen C0007193, MeSH D002311, MONDO:0005021, HP:0001644. Inheritance: Various modes of inheritance.
Hypertrophic cardiomyopathy. Also called: HYPERTROPHIC MYOCARDIOPATHY. Identifiers: Orphanet 217569, MedGen C0007194, MeSH D002312, MONDO:0005045, HP:0001639.

Submission:

Labcorp Genetics (formerly Invitae), Labcorp
Classification: Uncertain significance for Hypertrophic cardiomyopathy; Primary dilated cardiomyopathy. Last evaluated: 2021-09-16. Review status: criteria provided, single submitter. Criteria: Invitae Variant Classification Sherloc (09022015). Collection method: clinical testing. Allele origin: germline.
Comment: In summary, the available evidence is currently insufficient to determine the role of this variant in disease. Therefore, it has been classified as a Variant of Uncertain Significance. Algorithms developed to predict the effect of sequence changes on RNA splicing suggest that this variant may create or strengthen a splice site. Algorithms developed to predict the effect of missense changes on protein structure and function are either unavailable or do not agree on the potential impact of this missense change (SIFT: "Deleterious"; PolyPhen-2: "Probably Damaging"; Align-GVGD: "Class C15"). This variant has not been reported in the literature in individuals affected with PDLIM3-related conditions. This variant is not present in population databases (ExAC no frequency). This sequence change replaces phenylalanine with leucine at codon 318 of the PDLIM3 protein (p.Phe318Leu). The phenylalanine residue is highly conserved and there is a small physicochemical difference between phenylalanine and leucine.

NM_014476.6(PDLIM3):c.954C>G (p.Phe318Leu)

Gene: PDLIM3 (PDZ and LIM domain 3; minus strand). Cytogenetic location: 4q35.1.
Variant type: single nucleotide variant.
Coding change: c.954C>G on transcript NM_014476.6 (MANE Select); coding-DNA position 954, C replaced by G.
Protein change: p.Phe318Leu; replaces phenylalanine 318 with leucine.
Molecular consequence: missense variant. On other transcripts: non-coding transcript variant (1).
Genome position (GRCh38, 1-based): chr4:185,502,435, G>C on the plus strand (C>G on the coding strand, the complement: PDLIM3 is on the minus strand). VCF-style: chr4-185502435-G-C. GRCh37 (hg19) VCF-style: chr4-186423589-G-C.
Other names: c.810C>G, p.Phe270Leu (NM_001114107.5); c.690C>G, p.Phe230Leu (NM_001257962.2); c.453C>G, p.Phe151Leu (NM_001257963.2); short protein forms F151L, F270L, F318L, F230L.
Identifiers: ClinVar variation 1492591 (VCV001492591.6), dbSNP rs757507673, ClinGen allele CA358919700.